The following is an entry in ClinVar:

NM_001166114.2(PNPLA6):c.2094G>A (p.Pro698=)

Gene: PNPLA6 (patatin like domain 6, lysophospholipase; plus strand). Cytogenetic location: 19p13.2.
Variant type: single nucleotide variant.
Coding change: c.2094G>A on transcript NM_001166114.2 (MANE Select); coding-DNA position 2094, G replaced by A.
Protein change: p.Pro698=; no amino-acid change (proline 698 retained).
Molecular consequence: synonymous variant.
Genome position (GRCh38, 1-based): chr19:7,551,017, G>A. VCF-style: chr19-7551017-G-A. GRCh37 (hg19) VCF-style: chr19-7615903-G-A.
Other names: p.Pro659=; c.2121G>A, p.Pro707= (NM_001166111.2); c.1899G>A, p.Pro633= (NM_001166112.2); c.1977G>A, p.Pro659= (NM_001166113.1, NM_006702.5).
Identifiers: ClinVar variation 129978 (VCV000129978.28), dbSNP rs8107538, ClinGen allele CA154708.

ClinVar aggregate classification (germline): Benign. Review status: criteria provided, multiple submitters, no conflicts (2 of 4 stars). 10 submissions from 10 submitters: Benign (7). 3 of the submissions do not count toward it. Last evaluated 2026-02-04.

Conditions:
Hereditary spastic paraplegia. Also called: Familial spastic paraparesis. Identifiers: Orphanet 685, MedGen C0037773, MONDO:0019064. Disease mechanism: loss of function.
Hereditary spastic paraplegia 39 (SPG39). Also called: Spastic Paraplegia Type 39 (SPG39); SPASTIC PARAPLEGIA 39, AUTOSOMAL RECESSIVE. Identifiers: Orphanet 139480, MedGen C2677586, MONDO:0012787, OMIM 612020.

Allele frequency attached by ClinVar (database versions not stated): 1000 Genomes Project 0.20208; gnomAD exomes 0.20227; 1000 Genomes Project 30x 0.20956; ExAC 0.21360; ESP Exome Variant Server 0.23216; TOPMed 0.25066; gnomAD 0.25415 and 0.26133.
gnomAD v4.1: 354,840 of 1,545,670 alleles (23%); highest among the groups gnomAD compares: African/African-American, 34%; 43,116 homozygotes.

Submissions (10):

Labcorp Genetics (formerly Invitae), Labcorp
Classification: Benign for Hereditary spastic paraplegia 39. Last evaluated: 2026-02-04. Review status: criteria provided, single submitter. Criteria: Invitae Variant Classification Sherloc (09022015). Collection method: clinical testing. Allele origin: germline.

Blueprint Genetics
Classification: Benign. Last evaluated: 2024-11-28. Review status: criteria provided, single submitter. Criteria: ACMG Guidelines, 2015. Collection method: clinical testing. Allele origin: germline.

Mayo Clinic Laboratories, Mayo Clinic
Classification: Benign. Last evaluated: 2020-01-23. Review status: criteria provided, single submitter. Criteria: ACMG Guidelines, 2015. Collection method: clinical testing. Allele origin: germline. Observed: 835 variant alleles.

Illumina Laboratory Services, Illumina
Classification: Benign for Hereditary spastic paraplegia 39. Last evaluated: 2018-01-12. Review status: criteria provided, single submitter. Criteria: ICSL Variant Classification Criteria 13 December 2019. Collection method: clinical testing. Allele origin: germline.
Comment: This variant was observed in the ICSL laboratory as part of a predisposition screen in an ostensibly healthy population. It had not been previously curated by ICSL or reported in the Human Gene Mutation Database (HGMD: prior to June 1st, 2018), and was therefore a candidate for classification through an automated scoring system. Utilizing variant allele frequency, disease prevalence and penetrance estimates, and inheritance mode, an automated score was calculated to assess if this variant is too frequent to cause the disease. Based on the score and internal cut-off values, a variant classified as benign is not then subjected to further curation. The score for this variant resulted in a classification of benign for this disease.

Genome Diagnostics Laboratory, The Hospital for Sick Children
Classification: Benign for Hereditary spastic paraplegia. Last evaluated: 2016-12-12. Review status: criteria provided, single submitter. Criteria: ACMG Guidelines, 2015. Collection method: clinical testing. Allele origin: germline. Affected: yes.

GeneDx
Classification: Benign. Last evaluated: 2016-01-22. Review status: criteria provided, single submitter. Criteria: GeneDx Variant Classification (06012015). Collection method: clinical testing. Allele origin: germline. Affected: yes.
Comment: This variant is considered likely benign or benign based on one or more of the following criteria: it is a conservative change, it occurs at a poorly conserved position in the protein, it is predicted to be benign by multiple in silico algorithms, and/or has population frequency not consistent with disease.

Breakthrough Genomics
Classification: Benign. Review status: criteria provided, single submitter. Criteria: ACMG Guidelines, 2015. Collection method: not provided. Allele origin: germline. Inheritance: Autosomal recessive inheritance. Affected: yes.

Diagnostic Laboratory, Department of Genetics, University Medical Center Groningen
Classification: Benign. Review status: no assertion criteria provided. Collection method: clinical testing. Allele origin: germline. Affected: yes. Study: VKGL Data-share Consensus. Not counted in ClinVar's aggregate classification.

Genetic Services Laboratory, University of Chicago
Classification: Likely benign for AllHighlyPenetrant. Review status: no assertion criteria provided. Collection method: clinical testing. Allele origin: germline. Inheritance: Autosomal recessive inheritance. Not counted in ClinVar's aggregate classification.
Comment: Likely benign based on allele frequency in 1000 Genomes Project or ESP global frequency and its presence in a patient with a rare or unrelated disease phenotype. NOT Sanger confirmed.

Joint Genome Diagnostic Labs from Nijmegen and Maastricht, Radboudumc and MUMC+
Classification: Benign. Review status: no assertion criteria provided. Collection method: clinical testing. Allele origin: germline. Affected: yes. Study: VKGL Data-share Consensus. Not counted in ClinVar's aggregate classification.